The following is an entry in ClinVar:

ClinVar aggregate classification (germline): Uncertain significance. Review status: criteria provided, multiple submitters, no conflicts (2 of 4 stars). 2 submissions from 2 submitters: Uncertain significance (2). Last evaluated 2021-09-02.

Conditions:
Inborn genetic diseases. Identifiers: MedGen C0950123, MeSH D030342.
Cerebral creatine deficiency syndrome. Also called: Creatine deficiency syndromes. Identifiers: Orphanet 79172, MedGen C5244016, MONDO:0000456.

gnomAD v4.1: 1 of 1,532,542 alleles (0.000065%); highest among the groups gnomAD compares: South Asian, 0.0012%; no homozygotes.

Submissions (2):

Labcorp Genetics (formerly Invitae), Labcorp
Classification: Uncertain significance for Cerebral creatine deficiency syndrome. Last evaluated: 2021-09-02. Review status: criteria provided, single submitter. Criteria: Invitae Variant Classification Sherloc (09022015). Collection method: clinical testing. Allele origin: germline.
Comment: In summary, the available evidence is currently insufficient to determine the role of this variant in disease. Therefore, it has been classified as a Variant of Uncertain Significance. This sequence change replaces valine with alanine at codon 41 of the GAMT protein (p.Val41Ala). The valine residue is highly conserved and there is a small physicochemical difference between valine and alanine. This variant is not present in population databases (ExAC no frequency). This variant has not been reported in the literature in individuals affected with GAMT-related conditions. ClinVar contains an entry for this variant (Variation ID: 589883). Algorithms developed to predict the effect of missense changes on protein structure and function are either unavailable or do not agree on the potential impact of this missense change (SIFT: "Deleterious"; PolyPhen-2: "Probably Damaging"; Align-GVGD: "Class C0").

Ambry Genetics
Classification: Uncertain significance for Inborn genetic diseases. Last evaluated: 2016-08-04. Review status: criteria provided, single submitter. Criteria: Ambry Variant Classification Scheme 2023. Collection method: clinical testing. Allele origin: germline.
Comment: The p.V41A variant (also known as c.122T>C), located in coding exon 1 of the GAMT gene, results from a T to C substitution at nucleotide position 122. The valine at codon 41 is replaced by alanine, an amino acid with similar properties. This variant was not reported in population based cohorts in the following databases: Database of Single Nucleotide Polymorphisms (dbSNP), NHLBI Exome Sequencing Project (ESP), and 1000 Genomes Project. In the ESP, this variant was not observed in 6286 samples (12572 alleles) with coverage at this position. This amino acid position is highly conserved in available vertebrate species. In addition, this alteration is predicted to be deleterious by in silico analysis. Since supporting evidence is limited at this time, the clinical significance of this variant remains unclear.

NM_000156.6(GAMT):c.122T>C (p.Val41Ala)

Genes: GAMT (guanidinoacetate N-methyltransferase; minus strand), LOC130062945 (ATAC-STARR-seq lymphoblastoid silent region 9707; plus strand). Cytogenetic location: 19p13.3.
Variant type: single nucleotide variant.
Coding change: c.122T>C on transcript NM_000156.6 (MANE Select); coding-DNA position 122, T replaced by C.
Protein change: p.Val41Ala; replaces valine 41 with alanine.
Molecular consequence: missense variant.
Genome position (GRCh38, 1-based): chr19:1,401,355, A>G on the plus strand (T>C on the coding strand, the complement: GAMT is on the minus strand). VCF-style: chr19-1401355-A-G. GRCh37 (hg19) VCF-style: chr19-1401354-A-G.
Other names: c.122T>C, p.Val41Ala (NM_138924.3); short protein forms V41A.
Identifiers: ClinVar variation 589883 (VCV000589883.11), dbSNP rs1569008901, ClinGen allele CA402998118.